The following is an entry in ClinVar:

NM_001128.6(AP1G1):c.221T>C (p.Ile74Thr)

Gene: AP1G1 (adaptor related protein complex 1 subunit gamma 1; minus strand). Cytogenetic location: 16q22.2.
Variant type: single nucleotide variant.
Coding change: c.221T>C on transcript NM_001128.6 (MANE Select); coding-DNA position 221, T replaced by C.
Protein change: p.Ile74Thr; replaces isoleucine 74 with threonine.
Molecular consequence: missense variant.
Genome position (GRCh38, 1-based): chr16:71,774,573, A>G on the plus strand (T>C on the coding strand, the complement: AP1G1 is on the minus strand). VCF-style: chr16-71774573-A-G. GRCh37 (hg19) VCF-style: chr16-71808476-A-G.
Other names: c.221T>C, p.Ile74Thr (NM_001030007.2); short protein forms I74T.
Identifiers: ClinVar variation 4086675 (VCV004086675.1).

ClinVar aggregate classification (germline): Uncertain significance (1 of 4 stars; one submission).

Submission:

GeneDx
Classification: Uncertain significance. Last evaluated: 2025-03-17. Review status: criteria provided, single submitter. Criteria: GeneDx Variant Classification Process June 2021. Collection method: clinical testing. Allele origin: germline. Affected: yes.
Comment: Not observed at significant frequency in large population cohorts (gnomAD); In silico analysis supports that this missense variant has a deleterious effect on protein structure/function; Has not been previously published as pathogenic or benign to our knowledge